The following is an entry in ClinVar:

ClinVar aggregate classification (germline): Uncertain significance (1 of 4 stars; one submission).

Conditions:
Deficiency of 2-methylbutyryl-CoA dehydrogenase (ACADSB). Also called: 2-methylbutyryl-CoA dehydrogenase deficiency; SBCAD deficiency; 2-methylbutyric aciduria; Short branched-chain acyl-CoA dehydrogenase deficiency; 2-methylbutyrylglycinuria. Identifiers: Orphanet 79157, MedGen C1864912, MONDO:0012392, OMIM 610006, HP:0020147.

Allele frequency attached by ClinVar (database versions not stated): ExAC 0.00001; gnomAD exomes 0.00002.
gnomAD v4.1: 11 of 1,403,428 alleles (0.00078%); highest among the groups gnomAD compares: Admixed American, 0.0045%; no homozygotes.

Submission:

Labcorp Genetics (formerly Invitae), Labcorp
Classification: Uncertain significance for Deficiency of 2-methylbutyryl-CoA dehydrogenase. Last evaluated: 2025-10-12. Review status: criteria provided, single submitter. Criteria: Invitae Variant Classification Sherloc (09022015). Collection method: clinical testing. Allele origin: germline.
Comment: This sequence change replaces alanine, which is neutral and non-polar, with valine, which is neutral and non-polar, at codon 367 of the ACADSB protein (p.Ala367Val). This variant is present in population databases (rs745900584, gnomAD 0.004%). This variant has not been reported in the literature in individuals affected with ACADSB-related conditions. ClinVar contains an entry for this variant (Variation ID: 1434993). Invitae Evidence Modeling of protein sequence and biophysical properties (such as structural, functional, and spatial information, amino acid conservation, physicochemical variation, residue mobility, and thermodynamic stability) has been performed for this missense variant. However, the output from this modeling did not meet the statistical confidence thresholds required to predict the impact of this variant on ACADSB protein function. In summary, the available evidence is currently insufficient to determine the role of this variant in disease. Therefore, it has been classified as a Variant of Uncertain Significance.

NM_001609.4(ACADSB):c.1100C>T (p.Ala367Val)

Gene: ACADSB (acyl-CoA dehydrogenase short/branched chain; plus strand). Cytogenetic location: 10q26.13.
Variant type: single nucleotide variant.
Coding change: c.1100C>T on transcript NM_001609.4 (MANE Select); coding-DNA position 1100, C replaced by T.
Protein change: p.Ala367Val; replaces alanine 367 with valine.
Molecular consequence: missense variant.
Genome position (GRCh38, 1-based): chr10:123,051,158, C>T. VCF-style: chr10-123051158-C-T. GRCh37 (hg19) VCF-style: chr10-124810674-C-T.
Other names: c.794C>T, p.Ala265Val (NM_001330174.3); short protein forms A367V, A265V.
Identifiers: ClinVar variation 1434993 (VCV001434993.8), dbSNP rs745900584, ClinGen allele CA5730909.